The following is an entry in ClinVar:

NM_024675.4(PALB2):c.2218C>G (p.Gln740Glu)

Gene: PALB2 (partner and localizer of BRCA2; minus strand). Cytogenetic location: 16p12.2.
Variant type: single nucleotide variant.
Coding change: c.2218C>G on transcript NM_024675.4 (MANE Select); coding-DNA position 2218, C replaced by G.
Protein change: p.Gln740Glu; replaces glutamine 740 with glutamic acid.
Molecular consequence: missense variant.
Genome position (GRCh38, 1-based): chr16:23,629,936, G>C on the plus strand (C>G on the coding strand, the complement: PALB2 is on the minus strand). VCF-style: chr16-23629936-G-C. GRCh37 (hg19) VCF-style: chr16-23641257-G-C.
Other names: short protein forms Q740E.
Identifiers: ClinVar variation 656741 (VCV000656741.13), dbSNP rs1555460445, ClinGen allele CA395125557.

ClinVar aggregate classification (germline): Conflicting classifications of pathogenicity. Review status: criteria provided, conflicting classifications (1 of 4 stars). 3 submissions from 3 submitters: Uncertain significance (2); Likely benign (1). Last evaluated 2024-01-30.

Conditions:
Hereditary cancer-predisposing syndrome. Also called: Hereditary neoplastic syndrome; Tumor predisposition; Neoplastic Syndromes, Hereditary; Hereditary Cancer Syndrome. Identifiers: Orphanet 140162, MedGen C0027672, MeSH D009386, MONDO:0015356.
Familial cancer of breast. Also called: Hereditary breast cancer; hereditary breast carcinoma; BREAST CANCER, FAMILIAL. Identifiers: Orphanet 227535, MedGen C0346153, MONDO:0016419, OMIM 114480. Disease mechanism: loss of function.

Submissions (3):

Ambry Genetics
Classification: Likely benign for Hereditary cancer-predisposing syndrome. Last evaluated: 2024-01-30. Review status: criteria provided, single submitter. Criteria: Ambry Variant Classification Scheme 2023. Collection method: clinical testing. Allele origin: germline.

Labcorp Genetics (formerly Invitae), Labcorp
Classification: Uncertain significance for Familial cancer of breast. Last evaluated: 2022-02-25. Review status: criteria provided, single submitter. Criteria: Invitae Variant Classification Sherloc (09022015). Collection method: clinical testing. Allele origin: germline.
Comment: Algorithms developed to predict the effect of missense changes on protein structure and function (SIFT, PolyPhen-2, Align-GVGD) all suggest that this variant is likely to be tolerated. ClinVar contains an entry for this variant (Variation ID: 656741). This variant has not been reported in the literature in individuals affected with PALB2-related conditions. This variant is not present in population databases (gnomAD no frequency). This sequence change replaces glutamine, which is neutral and polar, with glutamic acid, which is acidic and polar, at codon 740 of the PALB2 protein (p.Gln740Glu). In summary, the available evidence is currently insufficient to determine the role of this variant in disease. Therefore, it has been classified as a Variant of Uncertain Significance.

Color Diagnostics, LLC DBA Color Health
Classification: Uncertain significance for Hereditary cancer-predisposing syndrome. Last evaluated: 2021-03-08. Review status: criteria provided, single submitter. Criteria: ACMG Guidelines, 2015. Collection method: clinical testing. Allele origin: germline.
Comment: This missense variant replaces glutamine with glutamic acid at codon 740 of the PALB2 protein. Computational prediction suggests that this variant may not impact protein structure and function (internally defined REVEL score threshold <= 0.5, PMID: 27666373). To our knowledge, functional studies have not been reported for this variant. This variant has not been reported in individuals affected with hereditary cancer in the literature. This variant has not been identified in the general population by the Genome Aggregation Database (gnomAD). The available evidence is insufficient to determine the role of this variant in disease conclusively. Therefore, this variant is classified as a Variant of Uncertain Significance.